The following is an entry in ClinVar:

NM_000257.4(MYH7):c.3721G>A (p.Ala1241Thr)

Gene: MYH7 (myosin heavy chain 7; minus strand). Cytogenetic location: 14q11.2.
Variant type: single nucleotide variant.
Coding change: c.3721G>A on transcript NM_000257.4 (MANE Select); coding-DNA position 3721, G replaced by A.
Protein change: p.Ala1241Thr; replaces alanine 1241 with threonine.
Molecular consequence: missense variant.
Genome position (GRCh38, 1-based): chr14:23,419,850, C>T on the plus strand (G>A on the coding strand, the complement: MYH7 is on the minus strand). VCF-style: chr14-23419850-C-T. GRCh37 (hg19) VCF-style: chr14-23889059-C-T.
Other names: c.3721G>A, p.Ala1241Thr (NM_001407004.1); short protein forms A1241T.
Identifiers: ClinVar variation 2843549 (VCV002843549.3), dbSNP rs757538583, ClinGen allele CA389042909.

ClinVar aggregate classification (germline): Uncertain significance (1 of 4 stars; one submission).

Conditions:
Hypertrophic cardiomyopathy. Also called: HYPERTROPHIC MYOCARDIOPATHY. Identifiers: Orphanet 217569, MedGen C0007194, MeSH D002312, MONDO:0005045, HP:0001639.

Submission:

Labcorp Genetics (formerly Invitae), Labcorp
Classification: Uncertain significance for Hypertrophic cardiomyopathy. Last evaluated: 2024-06-03. Review status: criteria provided, single submitter. Criteria: Invitae Variant Classification Sherloc (09022015). Collection method: clinical testing. Allele origin: germline.
Comment: This sequence change replaces alanine, which is neutral and non-polar, with threonine, which is neutral and polar, at codon 1241 of the MYH7 protein (p.Ala1241Thr). This variant is not present in population databases (gnomAD no frequency). This variant has not been reported in the literature in individuals affected with MYH7-related conditions. Advanced modeling of protein sequence and biophysical properties (such as structural, functional, and spatial information, amino acid conservation, physicochemical variation, residue mobility, and thermodynamic stability) has been performed at Invitae for this missense variant, however the output from this modeling did not meet the statistical confidence thresholds required to predict the impact of this variant on MYH7 protein function. In summary, the available evidence is currently insufficient to determine the role of this variant in disease. Therefore, it has been classified as a Variant of Uncertain Significance.